The following is an entry in ClinVar:

NM_005585.5(SMAD6):c.420C>A (p.Asp140Glu)

Gene: SMAD6 (SMAD family member 6; plus strand). Cytogenetic location: 15q22.31.
Variant type: single nucleotide variant.
Coding change: c.420C>A on transcript NM_005585.5 (MANE Select); coding-DNA position 420, C replaced by A.
Protein change: p.Asp140Glu; replaces aspartic acid 140 with glutamic acid.
Molecular consequence: missense variant. On other transcripts: non-coding transcript variant (1).
Genome position (GRCh38, 1-based): chr15:66,703,678, C>A. VCF-style: chr15-66703678-C-A. GRCh37 (hg19) VCF-style: chr15-66996016-C-A.
Other names: short protein forms D140E.
Identifiers: ClinVar variation 1738717 (VCV001738717.3), dbSNP rs1893033712, ClinGen allele CA392949517.

ClinVar aggregate classification (germline): Uncertain significance (1 of 4 stars; one submission).

Conditions:
Inborn genetic diseases. Identifiers: MedGen C0950123, MeSH D030342.

Allele frequency attached by ClinVar (database versions not stated): TOPMed below 0.00001.

Submission:

Ambry Genetics
Classification: Uncertain significance for Inborn genetic diseases. Last evaluated: 2024-10-22. Review status: criteria provided, single submitter. Criteria: Ambry Variant Classification Scheme 2023. Collection method: clinical testing. Allele origin: germline.
Comment: The p.D140E variant (also known as c.420C>A), located in coding exon 1 of the SMAD6 gene, results from a C to A substitution at nucleotide position 420. The aspartic acid at codon 140 is replaced by glutamic acid, an amino acid with highly similar properties. This amino acid position is conserved. In addition, this alteration is predicted to be tolerated by in silico analysis. Since supporting evidence is limited at this time, the clinical significance of this alteration remains unclear.